The following is an entry in ClinVar:

ClinVar aggregate classification (germline): Uncertain significance. Review status: criteria provided, multiple submitters, no conflicts (2 of 4 stars). 2 submissions from 2 submitters: Uncertain significance (2). Last evaluated 2023-05-23.

Conditions:
Autosomal dominant polycystic kidney disease. Identifiers: Orphanet 730, MedGen C0085413, MONDO:0004691.
Inborn genetic diseases. Identifiers: MedGen C0950123, MeSH D030342.

Allele frequency attached by ClinVar (database versions not stated): TOPMed below 0.00001.

Submissions (2):

Ambry Genetics
Classification: Uncertain significance for Inborn genetic diseases. Last evaluated: 2023-05-23. Review status: criteria provided, single submitter. Criteria: Ambry Variant Classification Scheme 2023. Collection method: clinical testing. Allele origin: germline.

Labcorp Genetics (formerly Invitae), Labcorp
Classification: Uncertain significance for Autosomal dominant polycystic kidney disease. Last evaluated: 2020-03-19. Review status: criteria provided, single submitter. Criteria: Invitae Variant Classification Sherloc (09022015). Collection method: clinical testing. Allele origin: germline.
Comment: This sequence change replaces valine with methionine at codon 7 of the PKD2 protein (p.Val7Met). The valine residue is weakly conserved and there is a small physicochemical difference between valine and methionine. The frequency data for this variant in the population databases is considered unreliable, as metrics indicate insufficient coverage at this position in the ExAC database. This variant has not been reported in the literature in individuals with PKD2-related conditions. Algorithms developed to predict the effect of missense changes on protein structure and function are either unavailable or do not agree on the potential impact of this missense change (SIFT: "Tolerated"; PolyPhen-2: "Probably Damaging"; Align-GVGD: "Class C0"). In summary, the available evidence is currently insufficient to determine the role of this variant in disease. Therefore, it has been classified as a Variant of Uncertain Significance.

NM_000297.4(PKD2):c.19G>A (p.Val7Met)

Genes: PKD2 (polycystin 2, transient receptor potential cation channel; plus strand), LOC129992813 (ATAC-STARR-seq lymphoblastoid silent region 15559; plus strand). Cytogenetic location: 4q22.1.
Variant type: single nucleotide variant.
Coding change: c.19G>A on transcript NM_000297.4 (MANE Select); coding-DNA position 19, G replaced by A.
Protein change: p.Val7Met; replaces valine 7 with methionine.
Molecular consequence: missense variant. On other transcripts: non-coding transcript variant (1).
Genome position (GRCh38, 1-based): chr4:88,007,752, G>A. VCF-style: chr4-88007752-G-A. GRCh37 (hg19) VCF-style: chr4-88928904-G-A.
Other names: c.19G>A (NM_000297.3); short protein forms V7M.
Identifiers: ClinVar variation 1058615 (VCV001058615.10), dbSNP rs1366782791, ClinGen allele CA357624807.